The following is an entry in ClinVar:

NM_000213.5(ITGB4):c.3707_3725del (p.Thr1236fs)

Gene: ITGB4 (integrin subunit beta 4; plus strand). Cytogenetic location: 17q25.1.
Variant type: Deletion.
Coding change: c.3707_3725del on transcript NM_000213.5 (MANE Select); coding-DNA positions 3707 to 3725, 19 bases deleted (CCCAGCTGAGCTGGGCTGA).
Protein change: p.Thr1236fs; shifts the reading frame from threonine 1236.
Molecular consequence: frameshift variant.
Genome position (GRCh38, 1-based): chr17:75,751,025-75,751,043, CCCAGCTGAGCTGGGCTGA deleted; deleting any 19 consecutive bases within chr17:75,751,022-75,751,043 gives the same sequence; the c. name uses the placement nearest the transcript's 3' end. VCF-style (leftmost placement, unchanged base first): chr17-75751021-GTGACCCAGCTGAGCTGGGC-G. GRCh37 (hg19) VCF-style: chr17-73747102-GTGACCCAGCTGAGCTGGGC-G.
Other names: c.3707_3725del19 (NM_000213.5); c.3707_3725del19, p.Thr1236Serfs (NM_001005619.2); c.3707_3725del, p.Thr1236fs (NM_001005731.3, NM_001321123.2); short protein forms T1236fs.
Identifiers: ClinVar variation 1048068 (VCV001048068.4), dbSNP rs2061355653, ClinGen allele CA2275664722.

ClinVar aggregate classification (germline): Pathogenic. Review status: criteria provided, multiple submitters, no conflicts (2 of 4 stars). 2 submissions from 2 submitters: Pathogenic (2). Last evaluated 2023-01-26.

Conditions:
Junctional epidermolysis bullosa with pyloric atresia. Also called: Epidermolysis bullosa, junctional, with pyloric atresia and aplasia cutis congenita; Epidermolysis bullosa junctionalis with pyloric atresia; EPIDERMOLYSIS BULLOSA, JUNCTIONAL 5B, WITH PYLORIC ATRESIA; EB-PA-ACC; ITGB4-Related Epidermolysis Bullosa with Pyloric Atresia; ITGA6-Related Epidermolysis Bullosa with Pyloric Atresia. Identifiers: Orphanet 79403, MedGen C5676875, MONDO:0009183, OMIM 226730.

Submissions (2):

Labcorp Genetics (formerly Invitae), Labcorp
Classification: Pathogenic. Last evaluated: 2023-01-26. Review status: criteria provided, single submitter. Criteria: Invitae Variant Classification Sherloc (09022015). Collection method: clinical testing. Allele origin: germline.
Comment: This premature translational stop signal has been observed in individual(s) with epidermolysis bullosa (PMID: 26739954). This sequence change creates a premature translational stop signal (p.Thr1236Serfs*29) in the ITGB4 gene. It is expected to result in an absent or disrupted protein product. Loss-of-function variants in ITGB4 are known to be pathogenic (PMID: 11328943, 16473856). This variant is not present in population databases (gnomAD no frequency). This variant is also known as p.T1236Sfs*28. ClinVar contains an entry for this variant (Variation ID: 1048068). For these reasons, this variant has been classified as Pathogenic.

Biomedical Innovation Departament, CIEMAT
Classification: Pathogenic for Epidermolysis bullosa junctionalis with pyloric atresia. Last evaluated: 2012-07-24. Review status: criteria provided, single submitter. Criteria: ACMG Guidelines, 2015. Collection method: research. Allele origin: germline. Affected: yes. Observed: 2 variant alleles.

Literature cited by the submitters: PubMed 26739954 (cited by Labcorp Genetics (formerly Invitae), Labcorp); PubMed 11328943 (cited by Labcorp Genetics (formerly Invitae), Labcorp and Biomedical Innovation Departament, CIEMAT); PubMed 16473856 (cited by Labcorp Genetics (formerly Invitae), Labcorp).